The following is an entry in ClinVar:

ClinVar aggregate classification (germline): Uncertain significance. Review status: criteria provided, multiple submitters, no conflicts (2 of 4 stars). 9 submissions from 9 submitters: Uncertain significance (9). Last evaluated 2025-12-10.

Conditions:
Gastric adenocarcinoma and proximal polyposis of the stomach (GAPPS). Also called: Polyposis, gastric, Dos Santos and de Magalhaes 1980; POLYPOSIS, GASTRIC; Gastric Adenocarcinoma and Proximal Polyposis of the Stomach (GAPPS). Identifiers: Orphanet 314022, MedGen C4749917, MONDO:0017790, OMIM 619182.
Hepatocellular carcinoma (HCC). Also called: Primary carcinoma of liver; HEPATOMA; LIVER CELL CARCINOMA. Identifiers: Orphanet 88673, MedGen C2239176, MONDO:0007256, OMIM 114550, HP:0001402.
Familial adenomatous polyposis 1 (FAP1). Also called: POLYPOSIS, ADENOMATOUS INTESTINAL; FAMILIAL ADENOMATOUS POLYPOSIS 1, ATTENUATED. Identifiers: MedGen C2713442, MONDO:0021056, OMIM 175100. Disease mechanism: loss of function.
Desmoid disease, hereditary (DESMD). Also called: FIBROMATOSIS, FAMILIAL INFILTRATIVE. Identifiers: Orphanet 873, MedGen C1851124, OMIM 135290. Disease mechanism: loss of function.
Colorectal cancer. Also called: Malignant Colorectal Neoplasm; Colorectal cancer, somatic. Identifiers: MedGen C0346629, MONDO:0005575, OMIM 114500.
Gastric cancer. Also called: Malignant tumor of stomach; Stomach cancer. Identifiers: MedGen C0024623, MeSH D013274, MONDO:0001056, OMIM 613659, HP:0012126.
Classic or attenuated familial adenomatous polyposis. Identifiers: MedGen CN372698, MONDO:0021057.
APC-related disorder. Also called: APC-related condition.
Hereditary cancer-predisposing syndrome. Also called: Tumor predisposition; Hereditary neoplastic syndrome; Neoplastic Syndromes, Hereditary; Hereditary Cancer Syndrome. Identifiers: Orphanet 140162, MedGen C0027672, MeSH D009386, MONDO:0015356.

Allele frequency attached by ClinVar (database versions not stated): TOPMed below 0.00001; gnomAD 0.00001; ExAC 0.00002.
gnomAD v4.1: 10 of 1,613,808 alleles (0.00062%); highest among the groups gnomAD compares: African/African-American, 0.0013%; no homozygotes.

Submissions (9):

Labcorp Genetics (formerly Invitae), Labcorp
Classification: Uncertain significance for Familial adenomatous polyposis 1. Last evaluated: 2025-12-10. Review status: criteria provided, single submitter. Criteria: Invitae Variant Classification Sherloc (09022015). Collection method: clinical testing. Allele origin: germline.
Comment: This sequence change replaces threonine, which is neutral and polar, with serine, which is neutral and polar, at codon 2379 of the APC protein (p.Thr2379Ser). This variant is present in population databases (rs767691072, gnomAD 0.003%). This variant has not been reported in the literature in individuals affected with APC-related conditions. ClinVar contains an entry for this variant (Variation ID: 470078). Invitae Evidence Modeling of protein sequence and biophysical properties (such as structural, functional, and spatial information, amino acid conservation, physicochemical variation, residue mobility, and thermodynamic stability) indicates that this missense variant is not expected to disrupt APC protein function with a negative predictive value of 95%. In summary, the available evidence is currently insufficient to determine the role of this variant in disease. Therefore, it has been classified as a Variant of Uncertain Significance.

PreventionGenetics, part of Exact Sciences
Classification: Uncertain significance for APC-related condition. Last evaluated: 2025-07-24. Review status: criteria provided, single submitter. Criteria: ACMG Guidelines, 2015. Collection method: clinical testing. Allele origin: germline.
Comment: The APC c.7136C>G variant is predicted to result in the amino acid substitution p.Thr2379Ser. To our knowledge, this variant has not been reported in the literature. This variant is reported in 0.0031% of alleles in individuals of European (Non-Finnish) descent in gnomAD, and is classified as uncertain in ClinVar (Variation ID: 470078). At this time, the clinical significance of this variant is uncertain due to the absence of conclusive functional and genetic evidence.

Color Diagnostics, LLC DBA Color Health
Classification: Uncertain significance for Hereditary cancer-predisposing syndrome. Last evaluated: 2025-04-06. Review status: criteria provided, single submitter. Criteria: ACMG Guidelines, 2015. Collection method: clinical testing. Allele origin: germline.
Comment: This missense variant replaces threonine with serine at codon 2379 of the APC protein. Computational prediction suggests that this variant may not impact protein structure and function (internally defined REVEL score threshold <= 0.5, PMID: 27666373). To our knowledge, functional studies have not been reported for this variant. This variant has not been reported in individuals affected with APC-related disorders in the literature. This variant has been identified in 4/281532 chromosomes in the general population by the Genome Aggregation Database (gnomAD). The available evidence is insufficient to determine the role of this variant in disease conclusively. Therefore, this variant is classified as a Variant of Uncertain Significance.

GeneDx
Classification: Uncertain significance. Last evaluated: 2024-08-25. Review status: criteria provided, single submitter. Criteria: GeneDx Variant Classification Process June 2021. Collection method: clinical testing. Allele origin: germline.
Comment: Not observed at significant frequency in large population cohorts (gnomAD); In silico analysis indicates that this missense variant does not alter protein structure/function; Has not been previously published as pathogenic or benign to our knowledge; This variant is associated with the following publications: (PMID: 18199528)

Fulgent Genetics
Classification: Uncertain significance for Colorectal cancer; Hepatocellular carcinoma; Desmoid disease, hereditary; Familial adenomatous polyposis 1; Gastric cancer; Gastric adenocarcinoma and proximal polyposis of the stomach. Last evaluated: 2024-05-13. Review status: criteria provided, single submitter. Criteria: ACMG Guidelines, 2015. Collection method: clinical testing. Allele origin: germline.

Baylor Genetics
Classification: Uncertain significance for Familial adenomatous polyposis 1. Last evaluated: 2024-03-26. Review status: criteria provided, single submitter. Criteria: ACMG Guidelines, 2015. Collection method: clinical testing. Allele origin: unknown.

All of Us Research Program, National Institutes of Health
Classification: Uncertain significance for Classic or attenuated familial adenomatous polyposis. Last evaluated: 2023-12-13. Review status: criteria provided, single submitter. Criteria: ACMG Guidelines, 2015. Collection method: clinical testing. Allele origin: germline. Inheritance: Autosomal dominant inheritance. Observed: 1 variant allele, 1 heterozygote.
Comment: This missense variant replaces threonine with serine at codon 2379 of the APC protein. Computational prediction suggests that this variant may not impact protein structure and function (internally defined REVEL score threshold <= 0.5, PMID: 27666373). To our knowledge, functional studies have not been reported for this variant. This variant has not been reported in individuals affected with APC-related disorders in the literature. This variant has been identified in 4/281532 chromosomes in the general population by the Genome Aggregation Database (gnomAD). The available evidence is insufficient to determine the role of this variant in disease conclusively. Therefore, this variant is classified as a Variant of Uncertain Significance.

This study involves interpretation of variants in research participants for the purpose of population health screening. Participant phenotype was not available at the time of variant classification. Additional details can be found in publication PMID: 35346344, PMCID: PMC8962531

Ambry Genetics
Classification: Uncertain significance for Hereditary cancer-predisposing syndrome. Last evaluated: 2023-12-06. Review status: criteria provided, single submitter. Criteria: Ambry Variant Classification Scheme 2023. Collection method: clinical testing. Allele origin: germline.
Comment: The p.T2379S variant (also known as c.7136C>G), located in coding exon 15 of the APC gene, results from a C to G substitution at nucleotide position 7136. The threonine at codon 2379 is replaced by serine, an amino acid with similar properties. This amino acid position is not well conserved in available vertebrate species. In addition, in silico predictors for this gene do not accurately predict pathogenicity. Since supporting evidence is limited at this time, the clinical significance of this alteration remains unclear.

Quest Diagnostics Nichols Institute San Juan Capistrano
Classification: Uncertain significance. Last evaluated: 2023-04-08. Review status: criteria provided, single submitter. Criteria: Quest Diagnostics criteria. Collection method: clinical testing. Allele origin: unknown.
Comment: To the best of our knowledge, the variant has not been reported in the published literature. The frequency of this variant in the general population, 0.000031 (4/128058 chromosomes), is uninformative in assessment of its pathogenicity. Analysis of this variant using bioinformatics tools for the prediction of the effect of amino acid changes on protein structure and function yielded predictions that this variant is benign. Based on the available information, we are unable to determine the clinical significance of this variant.

NM_000038.6(APC):c.7136C>G (p.Thr2379Ser)

Gene: APC (APC regulator of Wnt signaling pathway; plus strand). Cytogenetic location: 5q22.2.
Variant type: single nucleotide variant.
Coding change: c.7136C>G on transcript NM_000038.6 (MANE Select); coding-DNA position 7136, C replaced by G.
Protein change: p.Thr2379Ser; replaces threonine 2379 with serine.
Molecular consequence: missense variant.
Genome position (GRCh38, 1-based): chr5:112,842,730, C>G. VCF-style: chr5-112842730-C-G. GRCh37 (hg19) VCF-style: chr5-112178427-C-G.
Other names: c.7136C>G, p.Thr2379Ser (NM_001127510.3, NM_001354895.2); c.7082C>G, p.Thr2361Ser (NM_001127511.3); c.7190C>G, p.Thr2397Ser (NM_001354896.2); c.7166C>G, p.Thr2389Ser (NM_001354897.2); c.7061C>G, p.Thr2354Ser (NM_001354898.2); c.7052C>G, p.Thr2351Ser (NM_001354899.2); c.7013C>G, p.Thr2338Ser (NM_001354900.2); c.6959C>G, p.Thr2320Ser (NM_001354901.2); and 5 more; short protein forms T2361S, T2379S, T2397S, T2219S, T2253S, T2351S, T2354S, T2389S.
Identifiers: ClinVar variation 470078 (VCV000470078.28), dbSNP rs767691072, ClinGen allele CA047031.